The following is an entry in ClinVar:

NM_004304.5(ALK):c.817G>A (p.Glu273Lys)

Gene: ALK (ALK receptor tyrosine kinase; minus strand). Cytogenetic location: 2p23.2.
Variant type: single nucleotide variant.
Coding change: c.817G>A on transcript NM_004304.5 (MANE Select); coding-DNA position 817, G replaced by A.
Protein change: p.Glu273Lys; replaces glutamic acid 273 with lysine.
Molecular consequence: missense variant.
Genome position (GRCh38, 1-based): chr2:29,694,985, C>T on the plus strand (G>A on the coding strand, the complement: ALK is on the minus strand). VCF-style: chr2-29694985-C-T. GRCh37 (hg19) VCF-style: chr2-29917851-C-T.
Other names: short protein forms E273K.
Identifiers: ClinVar variation 1062252 (VCV001062252.9), dbSNP rs2148289990, ClinGen allele CA346587084.

ClinVar aggregate classification (germline): Uncertain significance (1 of 4 stars; one submission).

Conditions:
Neuroblastoma, susceptibility to, 3. Also called: ALK-Related Neuroblastic Tumor Susceptibility. Identifiers: Orphanet 635, MedGen C2751681, MONDO:0013083, OMIM 613014.

Submission:

Labcorp Genetics (formerly Invitae), Labcorp
Classification: Uncertain significance for Neuroblastoma, susceptibility to, 3. Last evaluated: 2024-04-29. Review status: criteria provided, single submitter. Criteria: Invitae Variant Classification Sherloc (09022015). Collection method: clinical testing. Allele origin: germline.
Comment: This sequence change replaces glutamic acid, which is acidic and polar, with lysine, which is basic and polar, at codon 273 of the ALK protein (p.Glu273Lys). This variant is not present in population databases (gnomAD no frequency). This variant has not been reported in the literature in individuals affected with ALK-related conditions. ClinVar contains an entry for this variant (Variation ID: 1062252). An algorithm developed to predict the effect of missense changes on protein structure and function (PolyPhen-2) suggests that this variant is likely to be disruptive. In summary, the available evidence is currently insufficient to determine the role of this variant in disease. Therefore, it has been classified as a Variant of Uncertain Significance.